The following is an entry in ClinVar:

NM_003060.4(SLC22A5):c.149G>A (p.Cys50Tyr)

Gene: SLC22A5 (solute carrier family 22 member 5; plus strand). Cytogenetic location: 5q31.1.
Variant type: single nucleotide variant.
Coding change: c.149G>A on transcript NM_003060.4 (MANE Select); coding-DNA position 149, G replaced by A.
Protein change: p.Cys50Tyr; replaces cysteine 50 with tyrosine.
Molecular consequence: missense variant.
Genome position (GRCh38, 1-based): chr5:132,370,121, G>A. VCF-style: chr5-132370121-G-A. GRCh37 (hg19) VCF-style: chr5-131705813-G-A.
Other names: c.149G>A, p.Cys50Tyr (NM_001308122.2); short protein forms C50Y.
Identifiers: ClinVar variation 3385406 (VCV003385406.1).

ClinVar aggregate classification (germline): Likely pathogenic (1 of 4 stars; one submission).

Conditions:
Renal carnitine transport defect (CDSP). Also called: Systemic primary carnitine deficiency; Primary carnitine deficiency; CARNITINE DEFICIENCY, SYSTEMIC, DUE TO DEFECT IN RENAL REABSORPTION OF CARNITINE; CARNITINE TRANSPORTER, PLASMA-MEMBRANE, DEFICIENCY OF; CARNITINE UPTAKE DEFECT; Systemic primary carnitine deficiency disease. Identifiers: Orphanet 158, MedGen C0342788, MONDO:0008919, OMIM 212140.

gnomAD v4.1: 1 of 1,611,168 alleles (0.000062%); no homozygotes.

Submission:

Department of Genetics of Metabolic Diseases, Institute of Medical & Molecular Genetics, Hospital Universitario Hospital La Paz
Classification: Likely pathogenic for Renal carnitine transport defect. Last evaluated: 2024-09-01. Review status: criteria provided, single submitter. Criteria: ACMG Guidelines, 2015. Collection method: clinical testing. Allele origin: germline. Inheritance: Autosomal recessive inheritance. Affected: yes.
Comment: The variant NM_003060.3:c.149G>A p.(Cys50Tyr) in SLC22A5 is absent from controls in population databases and computational prediction tools support a deleterious effect on the gene. Functional studies in CHO cells confirm this variant reduces significatively OCTN2´s activity (PMID:28841266). This variant has been observed in an individual with abnormal levels of free carnitine consistent with primary carnitine deficiency, carrying this variant along with a second pathogenic variant, without confirmation of phasing (PMID: Hidalgo Mayoral I et al., in press).

Literature cited by the submitters: PubMed 41022664.